The following is an entry in ClinVar:

ClinVar aggregate classification (germline): Uncertain significance (1 of 4 stars; one submission).

Conditions:
Gamma-aminobutyric acid transaminase deficiency (GABATD). Also called: GABA transaminase deficiency; Gamma aminobutyrate transaminase deficiency; 4 alpha aminobutyrate transaminase deficiency; GABA aminotransaminase deficiency. Identifiers: Orphanet 2066, MedGen C0342708, MONDO:0013166, OMIM 613163.

Allele frequency attached by ClinVar (database versions not stated): gnomAD exomes below 0.00001; TOPMed below 0.00001.
gnomAD v4.1: 3 of 1,614,076 alleles (0.00019%); highest among the groups gnomAD compares: Admixed American, 0.0017%; no homozygotes.

Submission:

Labcorp Genetics (formerly Invitae), Labcorp
Classification: Uncertain significance for Gamma-aminobutyric acid transaminase deficiency. Last evaluated: 2022-07-15. Review status: criteria provided, single submitter. Criteria: Invitae Variant Classification Sherloc (09022015). Collection method: clinical testing. Allele origin: germline.
Comment: This sequence change replaces alanine, which is neutral and non-polar, with threonine, which is neutral and polar, at codon 216 of the ABAT protein (p.Ala216Thr). This variant is present in population databases (no rsID available, gnomAD 0.003%). This variant has not been reported in the literature in individuals affected with ABAT-related conditions. Algorithms developed to predict the effect of missense changes on protein structure and function are either unavailable or do not agree on the potential impact of this missense change (SIFT: "Deleterious"; PolyPhen-2: "Benign"; Align-GVGD: "Class C0"). In summary, the available evidence is currently insufficient to determine the role of this variant in disease. Therefore, it has been classified as a Variant of Uncertain Significance.

NM_020686.6(ABAT):c.646G>A (p.Ala216Thr)

Gene: ABAT (4-aminobutyrate aminotransferase; plus strand). Cytogenetic location: 16p13.2.
Variant type: single nucleotide variant.
Coding change: c.646G>A on transcript NM_020686.6 (MANE Select); coding-DNA position 646, G replaced by A.
Protein change: p.Ala216Thr; replaces alanine 216 with threonine.
Molecular consequence: missense variant.
Genome position (GRCh38, 1-based): chr16:8,768,235, G>A. VCF-style: chr16-8768235-G-A. GRCh37 (hg19) VCF-style: chr16-8862092-G-A.
Other names: c.646G>A, p.Ala216Thr (NM_000663.5, NM_001127448.2, NM_001386600.1 and 7 more transcripts); c.583G>A, p.Ala195Thr (NM_001386606.1, NM_001386607.1); c.553G>A, p.Ala185Thr (NM_001386608.1); c.511G>A, p.Ala171Thr (NM_001386610.1, NM_001386611.1); c.448G>A, p.Ala150Thr (NM_001386612.1, NM_001386613.1); c.400G>A, p.Ala134Thr (NM_001386614.1); c.742G>A, p.Ala248Thr (NM_001386615.1); short protein forms A134T, A171T, A216T, A248T, A150T, A185T, A195T.
Identifiers: ClinVar variation 2060670 (VCV002060670.4), dbSNP rs1139523, ClinGen allele CA394688796.